The following is an entry in ClinVar:

NM_024678.6(NARS2):c.1291T>C (p.Tyr431His)

Gene: NARS2 (asparaginyl-tRNA synthetase 2, mitochondrial; minus strand). Cytogenetic location: 11q14.1.
Variant type: single nucleotide variant.
Coding change: c.1291T>C on transcript NM_024678.6 (MANE Select); coding-DNA position 1291, T replaced by C.
Protein change: p.Tyr431His; replaces tyrosine 431 with histidine.
Molecular consequence: missense variant.
Genome position (GRCh38, 1-based): chr11:78,436,813, A>G on the plus strand (T>C on the coding strand, the complement: NARS2 is on the minus strand). VCF-style: chr11-78436813-A-G. GRCh37 (hg19) VCF-style: chr11-78147859-A-G.
Other names: c.1291T>C (NM_024678.5); c.610T>C, p.Tyr204His (NM_001243251.2); short protein forms Y204H, Y431H.
Identifiers: ClinVar variation 1297024 (VCV001297024.10), dbSNP rs370150532, ClinGen allele CA6205493.

ClinVar aggregate classification (germline): Conflicting classifications of pathogenicity. Review status: criteria provided, conflicting classifications (1 of 4 stars). 6 submissions from 6 submitters: Likely pathogenic (1); Uncertain significance (4). 1 of the submissions does not count toward it. Last evaluated 2026-06-23.

Conditions:
NARS2-related disorder. Also called: NARS2-related condition.
Combined oxidative phosphorylation defect type 24. Also called: Combined oxidative phosphorylation deficiency 24. Identifiers: Orphanet 444458, MedGen C4015643, MONDO:0014547, OMIM 616239.

Allele frequency attached by ClinVar (database versions not stated): gnomAD 0.00004; gnomAD exomes 0.00004 and 0.00010; ExAC 0.00005; TOPMed 0.00008; ESP Exome Variant Server 0.00015.
gnomAD v4.1: 154 of 1,613,352 alleles (0.0095%); highest among the groups gnomAD compares: Non-Finnish European, 0.013%; no homozygotes.

Submissions (6):

Greenwood Genetic Center Diagnostic Laboratories, Greenwood Genetic Center
Classification: Uncertain significance. Last evaluated: 2026-06-23. Review status: criteria provided, single submitter. Criteria: ACMG Guidelines, 2015. Collection method: clinical testing. Allele origin: germline.
Comment: PM2, PP3

GeneDx
Classification: Likely pathogenic. Last evaluated: 2024-11-04. Review status: criteria provided, single submitter. Criteria: GeneDx Variant Classification Process June 2021. Collection method: clinical testing. Allele origin: germline. Affected: yes.
Comment: Reported in the single heterozygous state as a rare variant from a cohort of individuals with colorectal cancer (PMID: 26901136); Not observed at significant frequency in large population cohorts (gnomAD); In silico analysis supports that this missense variant has a deleterious effect on protein structure/function; This variant is associated with the following publications: (PMID: 26901136)

Blueprint Genetics
Classification: Uncertain significance. Last evaluated: 2024-09-10. Review status: criteria provided, single submitter. Criteria: ACMG Guidelines, 2015. Collection method: clinical testing. Allele origin: germline.

Labcorp Genetics (formerly Invitae), Labcorp
Classification: Uncertain significance. Last evaluated: 2023-11-24. Review status: criteria provided, single submitter. Criteria: Invitae Variant Classification Sherloc (09022015). Collection method: clinical testing. Allele origin: germline.
Comment: This sequence change replaces tyrosine, which is neutral and polar, with histidine, which is basic and polar, at codon 431 of the NARS2 protein (p.Tyr431His). This variant is present in population databases (rs370150532, gnomAD 0.01%). This variant has not been reported in the literature in individuals affected with NARS2-related conditions. ClinVar contains an entry for this variant (Variation ID: 1297024). An algorithm developed to predict the effect of missense changes on protein structure and function (PolyPhen-2) suggests that this variant is likely to be disruptive. In summary, the available evidence is currently insufficient to determine the role of this variant in disease. Therefore, it has been classified as a Variant of Uncertain Significance.

Institute of Human Genetics, University of Leipzig Medical Center
Classification: Uncertain significance for Combined oxidative phosphorylation defect type 24. Last evaluated: 2021-07-16. Review status: criteria provided, single submitter. Criteria: ACMG Guidelines, 2015. Collection method: clinical testing. Allele origin: unknown. Inheritance: Autosomal recessive inheritance. Affected: yes.

PreventionGenetics, part of Exact Sciences
Classification: Uncertain significance for NARS2-related condition. Last evaluated: 2024-05-10. Review status: no assertion criteria provided. Collection method: clinical testing. Allele origin: germline. Not counted in ClinVar's aggregate classification.
Comment: The NARS2 c.1291T>C variant is predicted to result in the amino acid substitution p.Tyr431His. This variant has been observed in an individual with an early-onset colorectal cancer (Table S3, de Voer et al. 2016. PubMed ID: 26901136). This variant is reported in 0.0094% of alleles in individuals of European (Non-Finnish) descent in gnomAD. At this time, the clinical significance of this variant is uncertain due to the absence of conclusive functional and genetic evidence.